The following is an entry in ClinVar:

NM_001355436.2(SPTB):c.5242_5243del (p.Asp1748fs)

Gene: SPTB (spectrin beta, erythrocytic; minus strand). Cytogenetic location: 14q23.3.
Variant type: Deletion.
Coding change: c.5242_5243del on transcript NM_001355436.2 (MANE Select); coding-DNA positions 5242 to 5243, 2 bases deleted (GA; older notation c.5242_5243delGA).
Protein change: p.Asp1748fs; shifts the reading frame from aspartic acid 1748.
Molecular consequence: frameshift variant.
Genome position (GRCh38, 1-based): chr14:64,772,890-64,772,891, TC deleted on the plus strand (GA on the coding strand, the reverse complement: SPTB is on the minus strand). VCF-style (leftmost placement, unchanged base first): chr14-64772889-GTC-G. GRCh37 (hg19) VCF-style: chr14-65239607-GTC-G.
Other names: c.5242_5243del, p.Asp1748fs (NM_001024858.4, NM_001355437.2); short protein forms D1748fs.
Identifiers: ClinVar variation 3766759 (VCV003766759.1).
Genomic context (GRCh38, chr14:64,772,889, plus strand): 5'-GATGGTGGCCGCCTCGCTGTGGCCCGCGTCGATGAGTCGCTCGATGAAGGCATTCACATT[GTC>G]CACCCGCTCCTGCCCAATCGCCCCGGTCTCCCGGGCAAAGTCCCGGAACTTGTCCCGCAG-3'

ClinVar aggregate classification (germline): Likely pathogenic (1 of 4 stars; one submission).

Submission:

ARUP Laboratories, Molecular Genetics and Genomics, ARUP Laboratories
Classification: Likely pathogenic. Last evaluated: 2024-08-02. Review status: criteria provided, single submitter. Criteria: ARUP Molecular Germline Variant Investigation Process 2024. Collection method: clinical testing. Allele origin: germline.
Comment: The SPTB c.5242_5243del; p.Asp1748GlnfsTer39 variant, to our knowledge, is not reported in the medical literature or gene specific databases. This variant is also absent from the Genome Aggregation Database (v2.1.1), indicating it is not a common polymorphism. This variant causes a frameshift by deleting two nucleotides, so it is predicted to result in a truncated protein or mRNA subject to nonsense-mediated decay. Based on available information, this variant is considered to be likely pathogenic.